The following is an entry in ClinVar:

ClinVar aggregate classification (germline): Conflicting classifications of pathogenicity. Review status: criteria provided, conflicting classifications (1 of 4 stars). 2 submissions from 2 submitters: Uncertain significance (1); Likely benign (1). Last evaluated 2026-06-29.

Conditions:
Hereditary cancer-predisposing syndrome. Also called: Neoplastic Syndromes, Hereditary; Hereditary Cancer Syndrome; Tumor predisposition; Hereditary neoplastic syndrome. Identifiers: Orphanet 140162, MedGen C0027672, MeSH D009386, MONDO:0015356.
Juvenile polyposis syndrome (JPS). Identifiers: Orphanet 2929, MedGen C0345893, MONDO:0017380, OMIM 174900.

Submissions (2):

Ambry Genetics
Classification: Likely benign for Hereditary cancer-predisposing syndrome. Last evaluated: 2026-06-29. Review status: criteria provided, single submitter. Criteria: Ambry Variant Classification Scheme 2023. Collection method: clinical testing. Allele origin: germline.

Labcorp Genetics (formerly Invitae), Labcorp
Classification: Uncertain significance for Juvenile polyposis syndrome. Last evaluated: 2024-12-16. Review status: criteria provided, single submitter. Criteria: Invitae Variant Classification Sherloc (09022015). Collection method: clinical testing. Allele origin: germline.
Comment: This sequence change replaces isoleucine, which is neutral and non-polar, with valine, which is neutral and non-polar, at codon 6 of the BMPR1A protein (p.Ile6Val). This variant is not present in population databases (gnomAD no frequency). This variant has not been reported in the literature in individuals affected with BMPR1A-related conditions. ClinVar contains an entry for this variant (Variation ID: 942964). Invitae Evidence Modeling of protein sequence and biophysical properties (such as structural, functional, and spatial information, amino acid conservation, physicochemical variation, residue mobility, and thermodynamic stability) indicates that this missense variant is not expected to disrupt BMPR1A protein function with a negative predictive value of 95%. In summary, the available evidence is currently insufficient to determine the role of this variant in disease. Therefore, it has been classified as a Variant of Uncertain Significance.

NM_004329.3(BMPR1A):c.16A>G (p.Ile6Val)

Gene: BMPR1A (bone morphogenetic protein receptor type 1A; plus strand). Cytogenetic location: 10q23.2.
Variant type: single nucleotide variant.
Coding change: c.16A>G on transcript NM_004329.3 (MANE Select); coding-DNA position 16, A replaced by G.
Protein change: p.Ile6Val; replaces isoleucine 6 with valine.
Molecular consequence: missense variant.
Genome position (GRCh38, 1-based): chr10:86,876,034, A>G. VCF-style: chr10-86876034-A-G. GRCh37 (hg19) VCF-style: chr10-88635791-A-G.
Other names: short protein forms I6V.
Identifiers: ClinVar variation 942964 (VCV000942964.13), dbSNP rs1842917141, ClinGen allele CA377774771.